The following is an entry in ClinVar:

NC_000002.11:g.(?_219754812)_(219757475_?)del

Gene: WNT10A (Wnt family member 10A; plus strand). Cytogenetic location: 2q35.
Variant type: Deletion.
Identifiers: ClinVar variation 3247231 (VCV003247231.1).

ClinVar aggregate classification (germline): Pathogenic (1 of 4 stars; one submission).

Conditions:
Odonto-onycho-dermal dysplasia. Identifiers: Orphanet 2721, MedGen C0796093, MONDO:0009773, OMIM 257980.
Tooth agenesis, selective, 4 (STHAG4). Also called: SUCCEDANEOUS TEETH, AGENESIS OF; TOOTH AGENESIS, SELECTIVE, 4, WITH OR WITHOUT ECTODERMAL DYSPLASIA; LATERAL INCISORS, ABSENCE OF; LATERAL INCISORS, PEGGED OR MISSING. Identifiers: Orphanet 99798, MedGen C1835492, MONDO:0007881, OMIM 150400. Disease mechanism: loss of function.

Submission:

Labcorp Genetics (formerly Invitae), Labcorp
Classification: Pathogenic for Tooth agenesis, selective, 4; Odonto-onycho-dermal dysplasia. Last evaluated: 2023-04-14. Review status: criteria provided, single submitter. Criteria: Invitae Variant Classification Sherloc (09022015). Collection method: clinical testing. Allele origin: unknown.
Comment: This variant has not been reported in the literature in individuals affected with WNT10A-related conditions. This variant results in the deletion of part of exon 3 (c.483_757-21del) of the WNT10A gene. While this variant is not anticipated to result in nonsense mediated decay, it likely alters RNA splicing and results in a disrupted protein product. Variants that disrupt the consensus splice site are a relatively common cause of aberrant splicing (PMID: 17576681, 9536098). For these reasons, this variant has been classified as Pathogenic. This variant disrupts a region of the WNT10A protein in which other variant(s) (p.Gly221Arg) have been determined to be pathogenic (Invitae). This suggests that this is a clinically significant region of the protein, and that variants that disrupt it are likely to be disease-causing.

Literature cited by the submitters: PubMed 17576681; PubMed 9536098.